The following is an entry in ClinVar:

ClinVar aggregate classification (germline): Benign/Likely benign. Review status: criteria provided, multiple submitters, no conflicts (2 of 4 stars). 5 submissions from 5 submitters: Benign (1); Likely benign (4). Last evaluated 2026-01-12.

Conditions:
Hemorrhage, intracerebral, susceptibility to (ICH). Also called: Stroke, hemorrhagic, susceptibility to. Identifiers: MedGen C3281105, MONDO:0100533, OMIM 614519.
Brain small vessel disease 1 with or without ocular anomalies (BSVD1). Also called: PORENCEPHALY, TYPE 1, AUTOSOMAL DOMINANT; GOULD SYNDROME 1; BRAIN SMALL VESSEL DISEASE WITH HEMORRHAGE; Brain small vessel disease with or without ocular anomalies. Identifiers: Orphanet 2940, Orphanet 36383, Orphanet 99810, MedGen C4755307, MONDO:0008289, OMIM 175780.
Autosomal dominant familial hematuria-retinal arteriolar tortuosity-contractures syndrome. Also called: Angiopathy, hereditary, with nephropathy, aneurysms, and muscle cramps; Hereditary Angiopathy with Nephropathy, Aneurysms, and Muscle Cramps (HANAC) Syndrome. Identifiers: Orphanet 73229, MedGen C2673195, MONDO:0012726, OMIM 611773.
Microangiopathy and leukoencephalopathy, pontine, autosomal dominant. Also called: Pontine autosomal dominant microangiopathy with leukoencephalopathy; DEMENTIA, HEREDITARY MULTI-INFARCT, SWEDISH TYPE. Identifiers: Orphanet 477749, MedGen C5231411, MONDO:0032814, OMIM 618564.
Retinal arterial tortuosity. Also called: RETINAL HEMORRHAGE WITH VASCULAR TORTUOSITY; Retinal arteries, tortuosity of. Identifiers: Orphanet 75326, MedGen C0423401, MONDO:0008373, OMIM 180000, HP:0000631.

Allele frequency attached by ClinVar (database versions not stated): ExAC 0.00021; 1000 Genomes Project 30x 0.00047; ESP Exome Variant Server 0.00054; TOPMed 0.00055; gnomAD 0.00057; 1000 Genomes Project 0.00060.
gnomAD v4.1: 159 of 1,613,998 alleles (0.0099%); highest among the groups gnomAD compares: African/African-American, 0.18%; no homozygotes.

Submissions (5):

Labcorp Genetics (formerly Invitae), Labcorp
Classification: Benign. Last evaluated: 2026-01-12. Review status: criteria provided, single submitter. Criteria: Invitae Variant Classification Sherloc (09022015). Collection method: clinical testing. Allele origin: germline.

Women's Health and Genetics/Laboratory Corporation of America, LabCorp
Classification: Likely benign. Last evaluated: 2025-12-02. Review status: criteria provided, single submitter. Criteria: LabCorp Variant Classification Summary - May 2015. Collection method: clinical testing. Allele origin: germline.

CeGaT Center for Human Genetics Tuebingen
Classification: Likely benign. Last evaluated: 2024-06-01. Review status: criteria provided, single submitter. Criteria: CeGaT Center For Human Genetics Tuebingen Variant Classification Criteria Version 2. Collection method: clinical testing. Allele origin: germline. Affected: yes. Observed: 1 variant allele.
Comment: COL4A1: BP4, BS1

Blueprint Genetics
Classification: Likely benign. Last evaluated: 2022-11-02. Review status: criteria provided, single submitter. Criteria: ACMG Guidelines, 2015. Collection method: clinical testing. Allele origin: germline.

Fulgent Genetics
Classification: Likely benign for Brain small vessel disease 1 with or without ocular anomalies; Retinal arterial tortuosity; Autosomal dominant familial hematuria-retinal arteriolar tortuosity-contractures syndrome; Hemorrhage, intracerebral, susceptibility to; Microangiopathy and leukoencephalopathy, pontine, autosomal dominant. Last evaluated: 2021-10-27. Review status: criteria provided, single submitter. Criteria: ACMG Guidelines, 2015. Collection method: clinical testing. Allele origin: unknown.

NM_001845.6(COL4A1):c.957+7G>A

Gene: COL4A1 (collagen type IV alpha 1 chain; minus strand). Cytogenetic location: 13q34.
Variant type: single nucleotide variant.
Coding change: c.957+7G>A on transcript NM_001845.6 (MANE Select); 7 bases into the intron after coding-DNA position 957, G replaced by A.
Molecular consequence: intron variant.
Genome position (GRCh38, 1-based): chr13:110,205,346, C>T on the plus strand (G>A on the coding strand, the complement: COL4A1 is on the minus strand). VCF-style: chr13-110205346-C-T. GRCh37 (hg19) VCF-style: chr13-110857693-C-T.
Other names: c.957+7G>A (NM_001303110.2).
Identifiers: ClinVar variation 772118 (VCV000772118.30), dbSNP rs58908343, ClinGen allele CA7048209.
Genomic context (GRCh38, chr13:110,205,346, plus strand): 5'-GAATAAACAGACTTCTGGGTTGAATTGGAAAGTGAAGATAAAGGCTCACAATAGTGCCAG[C>T]GTTTACCTGCGGGCCCTGGCGGCCTATGAGTCCTGGGTACCCGGGTTCACCAGGAAAACC-3'